The following is an entry in ClinVar:

NM_000059.4(BRCA2):c.5451T>C (p.Ser1817=)

Gene: BRCA2 (BRCA2 DNA repair associated; plus strand). Cytogenetic location: 13q13.1.
Variant type: single nucleotide variant.
Coding change: c.5451T>C on transcript NM_000059.4 (MANE Select); coding-DNA position 5451, T replaced by C.
Protein change: p.Ser1817=; no amino-acid change (serine 1817 retained).
Molecular consequence: synonymous variant.
Genome position (GRCh38, 1-based): chr13:32,339,806, T>C. VCF-style: chr13-32339806-T-C. GRCh37 (hg19) VCF-style: chr13-32913943-T-C.
Identifiers: ClinVar variation 747971 (VCV000747971.37), dbSNP rs1175041716, ClinGen allele CA483438425.
Genomic context (GRCh38, chr13:32,339,806, plus strand): 5'-AAATGCATACCCACAAACTGTAAATGAAGATATTTGCGTTGAGGAACTTGTGACTAGCTC[T>C]TCACCCTGCAAAAATAAAAATGCAGCCATTAAATTGTCCATATCTAATAGTAATAATTTT-3'
Protein context (NP_000050.3, residues 1807-1827): DICVEELVTS[Ser1817=]SPCKNKNAAI

ClinVar aggregate classification (germline): Likely benign. Review status: criteria provided, multiple submitters, no conflicts (2 of 4 stars). 3 submissions from 3 submitters: Likely benign (3). Last evaluated 2025-01-01.

Conditions:
Hereditary cancer-predisposing syndrome. Also called: Hereditary Cancer Syndrome; Tumor predisposition; Hereditary neoplastic syndrome; Neoplastic Syndromes, Hereditary. Identifiers: Orphanet 140162, MedGen C0027672, MeSH D009386, MONDO:0015356.
Hereditary breast ovarian cancer syndrome. Also called: Hereditary breast and ovarian cancer syndrome; Hereditary breast and ovarian cancer syndrome (HBOC); BRCA1- and BRCA2-Associated Hereditary Breast and Ovarian Cancer; Hereditary breast and ovarian cancer; Breast and ovarian cancer; Hereditary breast and/or ovarian cancer syndrome. Identifiers: Orphanet 145, MedGen C0677776, MeSH D061325, MONDO:0003582. Disease mechanism: loss of function.

Allele frequency attached by ClinVar (database versions not stated): TOPMed below 0.00001.

Submissions (3):

CeGaT Center for Human Genetics Tuebingen
Classification: Likely benign. Last evaluated: 2025-01-01. Review status: criteria provided, single submitter. Criteria: CeGaT Center For Human Genetics Tuebingen Variant Classification Criteria Version 2. Collection method: clinical testing. Allele origin: germline. Affected: yes. Observed: 2 variant alleles.
Comment: BRCA2: PM2:Supporting, BP4, BP7

Labcorp Genetics (formerly Invitae), Labcorp
Classification: Likely benign for Hereditary breast ovarian cancer syndrome. Last evaluated: 2023-09-11. Review status: criteria provided, single submitter. Criteria: Invitae Variant Classification Sherloc (09022015). Collection method: clinical testing. Allele origin: germline.

Ambry Genetics
Classification: Likely benign for Hereditary cancer-predisposing syndrome. Last evaluated: 2019-05-03. Review status: criteria provided, single submitter. Criteria: Ambry Variant Classification Scheme 2023. Collection method: clinical testing. Allele origin: germline.